The following is an entry in ClinVar:

ClinVar aggregate classification (germline): Conflicting classifications of pathogenicity. Review status: criteria provided, conflicting classifications (1 of 4 stars). 9 submissions from 9 submitters: Uncertain significance (1); Benign (2); Likely benign (5). 1 of the submissions does not count toward it. Last evaluated 2026-01-15.

Conditions:
TSC2-related disorder. Also called: TSC2-Related Disorders; TSC2-related condition.
Tuberous sclerosis syndrome (TSC). Also called: Tuberous Sclerosis Complex; Tuberous sclerosis. Identifiers: Orphanet 805, MedGen C0041341, MONDO:0001734.
Tuberous sclerosis 2 (TSC2). Identifiers: Orphanet 805, MedGen C1860707, MONDO:0013199, OMIM 613254.
Hereditary cancer-predisposing syndrome. Also called: Neoplastic Syndromes, Hereditary; Hereditary Cancer Syndrome; Tumor predisposition; Hereditary neoplastic syndrome. Identifiers: Orphanet 140162, MedGen C0027672, MeSH D009386, MONDO:0015356.

Allele frequency attached by ClinVar (database versions not stated): ESP Exome Variant Server 0.00008.
gnomAD v4.1: 78 of 1,611,770 alleles (0.0048%); highest among the groups gnomAD compares: Non-Finnish European, 0.0063%; no homozygotes.

Submissions (9):

Labcorp Genetics (formerly Invitae), Labcorp
Classification: Benign for Tuberous sclerosis 2. Last evaluated: 2026-01-15. Review status: criteria provided, single submitter. Criteria: Invitae Variant Classification Sherloc (09022015). Collection method: clinical testing. Allele origin: germline.

Myriad Genetics, Inc.
Classification: Benign for Tuberous sclerosis 2. Last evaluated: 2025-05-20. Review status: criteria provided, single submitter. Criteria: Myriad Autosomal Dominant, Autosomal Recessive and X-Linked Classification Criteria (2023). Collection method: clinical testing. Allele origin: unknown.
Comment: This variant is considered benign. This variant is a silent/synonymous amino acid change and it is not expected to impact splicing.

Blueprint Genetics
Classification: Likely benign. Last evaluated: 2024-02-06. Review status: criteria provided, single submitter. Criteria: ACMG Guidelines, 2015. Collection method: clinical testing. Allele origin: germline.

All of Us Research Program, National Institutes of Health
Classification: Likely benign for Tuberous sclerosis syndrome. Last evaluated: 2023-12-01. Review status: criteria provided, single submitter. Criteria: ACMG Guidelines, 2015. Collection method: clinical testing. Allele origin: germline. Inheritance: Autosomal dominant inheritance. Observed: 6 variant alleles, 6 heterozygotes.
Comment: This study involves interpretation of variants in research participants for the purpose of population health screening. Participant phenotype was not available at the time of variant classification. Additional details can be found in publication PMID: 35346344, PMCID: PMC8962531

Color Diagnostics, LLC DBA Color Health
Classification: Likely benign for Tuberous sclerosis syndrome. Last evaluated: 2022-11-16. Review status: criteria provided, single submitter. Criteria: ACMG Guidelines, 2015. Collection method: clinical testing. Allele origin: germline.

Genome-Nilou Lab
Classification: Likely benign for Tuberous sclerosis 2. Last evaluated: 2021-11-07. Review status: criteria provided, single submitter. Criteria: ACMG Guidelines, 2015. Collection method: clinical testing. Allele origin: germline. Affected: no.

Ambry Genetics
Classification: Likely benign for Hereditary cancer-predisposing syndrome. Last evaluated: 2017-10-31. Review status: criteria provided, single submitter. Criteria: Ambry Variant Classification Scheme 2023. Collection method: clinical testing. Allele origin: germline.

Illumina Laboratory Services, Illumina
Classification: Uncertain significance for Tuberous sclerosis syndrome. Last evaluated: 2017-04-27. Review status: criteria provided, single submitter. Criteria: ICSL Variant Classification Criteria 13 December 2019. Collection method: clinical testing. Allele origin: germline.

PreventionGenetics, part of Exact Sciences
Classification: Likely benign for TSC2-related condition. Last evaluated: 2022-03-28. Review status: no assertion criteria provided. Collection method: clinical testing. Allele origin: germline. Not counted in ClinVar's aggregate classification.
Comment: This variant is classified as likely benign based on ACMG/AMP sequence variant interpretation guidelines (Richards et al. 2015 PMID: 25741868, with internal and published modifications).

NM_000548.5(TSC2):c.2520C>T (p.Ala840=)

Gene: TSC2 (TSC complex subunit 2; plus strand). Cytogenetic location: 16p13.3.
Variant type: single nucleotide variant.
Coding change: c.2520C>T on transcript NM_000548.5 (MANE Select); coding-DNA position 2520, C replaced by T.
Protein change: p.Ala840=; no amino-acid change (alanine 840 retained).
Molecular consequence: synonymous variant.
Genome position (GRCh38, 1-based): chr16:2,074,364, C>T. VCF-style: chr16-2074364-C-T. GRCh37 (hg19) VCF-style: chr16-2124365-C-T.
Other names: c.2520C>T, p.Ala840= (NM_001077183.3, NM_001114382.3, NM_001363528.2 and 3 more transcripts); c.2409C>T, p.Ala803= (NM_001318827.2); c.2373C>T, p.Ala791= (NM_001318829.2); c.1920C>T, p.Ala640= (NM_001318831.2); c.2553C>T, p.Ala851= (NM_001318832.2); c.2520C>T (NM_000548.4).
Identifiers: ClinVar variation 237993 (VCV000237993.26), dbSNP rs147683438, ClinGen allele CA039335.